The following is an entry in ClinVar:

NM_014639.4(SKIC3):c.2234G>A (p.Gly745Asp)

Gene: SKIC3 (SKI3 subunit of superkiller complex; minus strand). Cytogenetic location: 5q15.
Variant type: single nucleotide variant.
Coding change: c.2234G>A on transcript NM_014639.4 (MANE Select); coding-DNA position 2234, G replaced by A.
Protein change: p.Gly745Asp; replaces glycine 745 with aspartic acid.
Molecular consequence: missense variant.
Genome position (GRCh38, 1-based): chr5:95,517,203, C>T on the plus strand (G>A on the coding strand, the complement: SKIC3 is on the minus strand). VCF-style: chr5-95517203-C-T. GRCh37 (hg19) VCF-style: chr5-94852907-C-T.
Other names: short protein forms G745D.
Identifiers: ClinVar variation 2114463 (VCV002114463.1), dbSNP rs2530755531, ClinGen allele CA360460347.
Genomic context (GRCh38, chr5:95,517,203, plus strand): 5'-TACCTTCCTCCAAGGTGGAGGAGCTCATTTTTCTTTAATACTTGTTTTCCTTCTTTCTGA[C>T]CTAGAAGGACTCCTAAAACATGAACATTCACTTTAGATGGTGCGACAGCATACAGACAGG-3'
Protein context (NP_055454.1, residues 735-755): VNVHVLGVLL[Gly745Asp]QKEGKQVLKK

ClinVar aggregate classification (germline): Uncertain significance (1 of 4 stars; one submission).

Allele frequency attached by ClinVar (database versions not stated): gnomAD exomes below 0.00001.
gnomAD v4.1: 1 of 1,613,268 alleles (0.000062%); highest among the groups gnomAD compares: Non-Finnish European, 0.000085%; no homozygotes.

Submission:

Labcorp Genetics (formerly Invitae), Labcorp
Classification: Uncertain significance. Last evaluated: 2022-06-03. Review status: criteria provided, single submitter. Criteria: Invitae Variant Classification Sherloc (09022015). Collection method: clinical testing. Allele origin: germline.
Comment: This sequence change replaces glycine, which is neutral and non-polar, with aspartic acid, which is acidic and polar, at codon 745 of the TTC37 protein (p.Gly745Asp). This variant is not present in population databases (gnomAD no frequency). This variant has not been reported in the literature in individuals affected with TTC37-related conditions. Algorithms developed to predict the effect of missense changes on protein structure and function are either unavailable or do not agree on the potential impact of this missense change (SIFT: "Deleterious"; PolyPhen-2: "Probably Damaging"; Align-GVGD: "Class C0"). In summary, the available evidence is currently insufficient to determine the role of this variant in disease. Therefore, it has been classified as a Variant of Uncertain Significance.